The following is an entry in ClinVar:

ClinVar aggregate classification (germline): Pathogenic (1 of 4 stars; one submission).

Submission:

Labcorp Genetics (formerly Invitae), Labcorp
Classification: Pathogenic. Last evaluated: 2023-11-06. Review status: criteria provided, single submitter. Criteria: Invitae Variant Classification Sherloc (09022015). Collection method: clinical testing. Allele origin: germline.
Comment: This sequence change creates a premature translational stop signal (p.Glu501Hisfs*10) in the OTOA gene. It is expected to result in an absent or disrupted protein product. Loss-of-function variants in OTOA are known to be pathogenic (PMID: 11972037). This variant is not present in population databases (gnomAD no frequency). This variant has not been reported in the literature in individuals affected with OTOA-related conditions. For these reasons, this variant has been classified as Pathogenic.

Literature cited by the submitters: PubMed 11972037.

NM_144672.4(OTOA):c.1501_1517del (p.Glu501fs)

Gene: OTOA (otoancorin). Cytogenetic location: 16p12.2.
Variant type: Deletion.
Coding change: c.1501_1517del on transcript NM_144672.4 (MANE Select); coding-DNA positions 1501 to 1517, 17 bases deleted.
Protein change: p.Glu501fs; shifts the reading frame from glutamic acid 501.
Molecular consequence: frameshift variant.
Genome position: GRCh38 VCF-style: chr16-21716917-CGGAAGACACTGCCCCAG-C. GRCh37 (hg19) VCF-style: chr16-21728238-CGGAAGACACTGCCCCAG-C.
Other names: c.1264_1280del, p.Glu422fs (NM_001161683.2); c.529_545del, p.Glu177fs (NM_170664.3); short protein forms E501fs, E177fs, E422fs.
Identifiers: ClinVar variation 2693921 (VCV002693921.3), dbSNP rs2507033670, ClinGen allele CA2697555702.
Genomic context (GRCh38, chr16:21,716,917, plus strand): 5'-GCTCAATGCATTTTTTACAATGTTGTTTTGTTGCTTCTCGCTTCTGGCAGATGGTCCAAG[CGGAAGACACTGCCCCAG>C]GCATCGTGGAGATACAAGGGGCTTTCTTTAAGGAAGTGTCTCTCTTTGATTTAAGGAGGC-3'